The following is an entry in ClinVar:

NM_001009999.3(KDM1A):c.1072+3A>G

Gene: KDM1A (lysine demethylase 1A; plus strand). Cytogenetic location: 1p36.12.
Variant type: single nucleotide variant.
Coding change: c.1072+3A>G on transcript NM_001009999.3 (MANE Select); 3 bases into the intron after coding-DNA position 1072, A replaced by G.
Molecular consequence: intron variant.
Genome position (GRCh38, 1-based): chr1:23,057,568, A>G. VCF-style: chr1-23057568-A-G. GRCh37 (hg19) VCF-style: chr1-23384061-A-G.
Other names: c.1012+3A>G (NM_001363654.2, NM_015013.4).
Identifiers: ClinVar variation 507693 (VCV000507693.6), dbSNP rs1553129313, ClinGen allele CA658795414.

ClinVar aggregate classification (germline): Likely benign (1 of 4 stars; one submission).

Conditions:
Neurodevelopmental and congenital anomalies.

Submission:

GeneDx
Classification: Likely benign. Last evaluated: 2018-04-30. Review status: criteria provided, single submitter. Criteria: GeneDx Variant Classification Process June 2021. Collection method: clinical testing. Allele origin: germline. Affected: yes.